The following is an entry in ClinVar:

NM_152424.4(AMER1):c.3338G>T (p.Arg1113Met)

Gene: AMER1 (APC membrane recruitment protein 1; minus strand). Cytogenetic location: Xq11.2.
Variant type: single nucleotide variant.
Coding change: c.3338G>T on transcript NM_152424.4 (MANE Select); coding-DNA position 3338, G replaced by T.
Protein change: p.Arg1113Met; replaces arginine 1113 with methionine.
Molecular consequence: missense variant.
Genome position (GRCh38, 1-based): chrX:64,189,949, C>A on the plus strand (G>T on the coding strand, the complement: AMER1 is on the minus strand). VCF-style: chrX-64189949-C-A. GRCh37 (hg19) VCF-style: chrX-63409829-C-A.
Other names: short protein forms R1113M.
Identifiers: ClinVar variation 3535029 (VCV003535029.2).

ClinVar aggregate classification (germline): Uncertain significance. Review status: criteria provided, multiple submitters, no conflicts (2 of 4 stars). 2 submissions from 2 submitters: Uncertain significance (2). Last evaluated 2025-10-10.

Conditions:
Inborn genetic diseases. Identifiers: MedGen C0950123, MeSH D030342.

gnomAD v4.1: 2 of 1,204,152 alleles (0.00017%); highest among the groups gnomAD compares: African/African-American, 0.0035%; no homozygotes.

Submissions (2):

Labcorp Genetics (formerly Invitae), Labcorp
Classification: Uncertain significance. Last evaluated: 2025-10-10. Review status: criteria provided, single submitter. Criteria: Invitae Variant Classification Sherloc (09022015). Collection method: clinical testing. Allele origin: germline.
Comment: This sequence change replaces arginine, which is basic and polar, with methionine, which is neutral and non-polar, at codon 1113 of the AMER1 protein (p.Arg1113Met). This variant is not present in population databases (gnomAD no frequency). This variant has not been reported in the literature in individuals affected with AMER1-related conditions. ClinVar contains an entry for this variant (Variation ID: 3535029). An algorithm developed to predict the effect of missense changes on protein structure and function outputs the following: PolyPhen-2: "Benign". The methionine amino acid residue is found in multiple mammalian species, which suggests that this missense change does not adversely affect protein function. In summary, the available evidence is currently insufficient to determine the role of this variant in disease. Therefore, it has been classified as a Variant of Uncertain Significance.

Ambry Genetics
Classification: Uncertain significance for Inborn genetic diseases. Last evaluated: 2024-10-01. Review status: criteria provided, single submitter. Criteria: Ambry Variant Classification Scheme 2023. Collection method: clinical testing. Allele origin: germline.